The following is an entry in ClinVar:

ClinVar aggregate classification (germline): Uncertain significance (1 of 4 stars; one submission).

Conditions:
Inborn genetic diseases. Identifiers: MedGen C0950123, MeSH D030342.

Submission:

Ambry Genetics
Classification: Uncertain significance for Inborn genetic diseases. Last evaluated: 2025-06-19. Review status: criteria provided, single submitter. Criteria: Ambry Variant Classification Scheme 2023. Collection method: clinical testing. Allele origin: germline.
Comment: The p.V1964G variant (also known as c.5891T>G), located in coding exon 22 of the FANCM gene, results from a T to G substitution at nucleotide position 5891. The valine at codon 1964 is replaced by glycine, an amino acid with dissimilar properties. This amino acid position is conserved. In addition, this alteration is predicted to be tolerated by in silico analysis. Based on the available evidence, the clinical significance of this variant remains unclear.

NM_020937.4(FANCM):c.5891T>G (p.Val1964Gly)

Gene: FANCM (FA complementation group M; plus strand). Cytogenetic location: 14q21.2.
Variant type: single nucleotide variant.
Coding change: c.5891T>G on transcript NM_020937.4 (MANE Select); coding-DNA position 5891, T replaced by G.
Protein change: p.Val1964Gly; replaces valine 1964 with glycine.
Molecular consequence: missense variant.
Genome position (GRCh38, 1-based): chr14:45,198,818, T>G. VCF-style: chr14-45198818-T-G. GRCh37 (hg19) VCF-style: chr14-45668021-T-G.
Other names: c.5813T>G, p.Val1938Gly (NM_001308133.2); short protein forms V1938G, V1964G.
Identifiers: ClinVar variation 4254527 (VCV004254527.1).